The following is an entry in ClinVar:

NM_000038.6(APC):c.2908A>G (p.Ser970Gly)

Gene: APC (APC regulator of Wnt signaling pathway; plus strand). Cytogenetic location: 5q22.2.
Variant type: single nucleotide variant.
Coding change: c.2908A>G on transcript NM_000038.6 (MANE Select); coding-DNA position 2908, A replaced by G.
Protein change: p.Ser970Gly; replaces serine 970 with glycine.
Molecular consequence: missense variant.
Genome position (GRCh38, 1-based): chr5:112,838,502, A>G. VCF-style: chr5-112838502-A-G. GRCh37 (hg19) VCF-style: chr5-112174199-A-G.
Other names: c.2908A>G (NM_000038.5); c.2908A>G, p.Ser970Gly (NM_001127510.3, NM_001354895.2); c.2854A>G, p.Ser952Gly (NM_001127511.3); c.2962A>G, p.Ser988Gly (NM_001354896.2); c.2938A>G, p.Ser980Gly (NM_001354897.2); c.2833A>G, p.Ser945Gly (NM_001354898.2); c.2824A>G, p.Ser942Gly (NM_001354899.2); c.2785A>G, p.Ser929Gly (NM_001354900.2); and 6 more; short protein forms S687G, S810G, S844G, S869G, S879G, S911G, S929G, S942G.
Identifiers: ClinVar variation 1003506 (VCV001003506.9), dbSNP rs1765292691, ClinGen allele CA16027684.

ClinVar aggregate classification (germline): Uncertain significance. Review status: criteria provided, multiple submitters, no conflicts (2 of 4 stars). 2 submissions from 2 submitters: Uncertain significance (2). Last evaluated 2022-07-12.

Conditions:
Familial adenomatous polyposis 1 (FAP1). Also called: FAMILIAL ADENOMATOUS POLYPOSIS 1, ATTENUATED; POLYPOSIS, ADENOMATOUS INTESTINAL. Identifiers: MedGen C2713442, MONDO:0021056, OMIM 175100. Disease mechanism: loss of function.

Submissions (2):

Labcorp Genetics (formerly Invitae), Labcorp
Classification: Uncertain significance for Familial adenomatous polyposis 1. Last evaluated: 2022-07-12. Review status: criteria provided, single submitter. Criteria: Invitae Variant Classification Sherloc (09022015). Collection method: clinical testing. Allele origin: germline.
Comment: This variant has not been reported in the literature in individuals affected with APC-related conditions. This variant is not present in population databases (gnomAD no frequency). This sequence change replaces serine, which is neutral and polar, with glycine, which is neutral and non-polar, at codon 970 of the APC protein (p.Ser970Gly). In summary, the available evidence is currently insufficient to determine the role of this variant in disease. Therefore, it has been classified as a Variant of Uncertain Significance. Algorithms developed to predict the effect of missense changes on protein structure and function are either unavailable or do not agree on the potential impact of this missense change (SIFT: "Deleterious"; PolyPhen-2: "Possibly Damaging"; Align-GVGD: "Class C0"). ClinVar contains an entry for this variant (Variation ID: 1003506).

Clinical Genetics Laboratory, Skane University Hospital Lund
Classification: Uncertain significance. Last evaluated: 2022-05-27. Review status: criteria provided, single submitter. Criteria: ACMG Guidelines, 2015. Collection method: clinical testing. Allele origin: germline. Affected: yes.